The following is an entry in ClinVar:

NM_001079866.2(BCS1L):c.-49-539T>A

Gene: BCS1L (BCS1 ubiquinol-cytochrome c reductase complex chaperone; plus strand). Cytogenetic location: 2q35.
Variant type: single nucleotide variant.
Coding change: c.-49-539T>A on transcript NM_001079866.2 (MANE Select); 539 bases into the intron before 49 bases upstream of the start codon, T replaced by A.
Molecular consequence: intron variant. On other transcripts: 5 prime UTR variant (12), non-coding transcript variant (1).
Genome position (GRCh38, 1-based): chr2:218,660,400, T>A. VCF-style: chr2-218660400-T-A. GRCh37 (hg19) VCF-style: chr2-219525123-T-A.
Other names: c.-71T>A (NM_001320717.2, NM_001371443.1, NM_001371444.1 and 3 more transcripts); c.-398T>A (NM_001371446.1); c.-389T>A (NM_001371451.1); c.-1064T>A (NM_001371453.1, NM_001374086.1); c.-547T>A (NM_001371454.1); c.-588T>A (NM_001374085.1); c.-49-539T>A (NM_001257344.2); c.-50+155T>A (NM_004328.5); and 7 more.
Identifiers: ClinVar variation 56411 (VCV000056411.8), dbSNP rs386833855, ClinGen allele CA144343.

ClinVar aggregate classification (germline): Conflicting classifications of pathogenicity. Review status: criteria provided, conflicting classifications (1 of 4 stars). 4 submissions from 4 submitters: Likely pathogenic (1); Uncertain significance (1). 2 of the submissions do not count toward it. Last evaluated 2025-07-23.

Conditions:
GRACILE syndrome (FLNMS). Also called: FELLMAN SYNDROME; FINNISH LETHAL NEONATAL METABOLIC SYNDROME. Identifiers: Orphanet 53693, MedGen C1864002, MONDO:0011308, OMIM 603358.

Submissions (4):

Women's Health and Genetics/Laboratory Corporation of America, LabCorp
Classification: Uncertain significance. Last evaluated: 2025-07-23. Review status: criteria provided, single submitter. Criteria: LabCorp Variant Classification Summary - May 2015. Collection method: clinical testing. Allele origin: germline.
Comment: Variant summary: BCS1L c.-50+155T>A is located in the untranslated mRNA region upstream of the initiation codon. The variant was absent in 31386 control chromosomes (gnomAD). c.-50+155T>A has been observed in individuals affected with GRACILE Syndrome (e.g. Vispaa_2002, Lynn_2012). These data indicate that the variant may be associated with disease. To our knowledge, no experimental evidence demonstrating an impact on protein function has been reported. The following publications have been ascertained in the context of this evaluation (PMID: 22277166, 12215968). ClinVar contains an entry for this variant (Variation ID: 56411). Based on the evidence outlined above, the variant was classified as VUS-possibly pathogenic.

Labcorp Genetics (formerly Invitae), Labcorp
Classification: Likely pathogenic. Last evaluated: 2023-06-18. Review status: criteria provided, single submitter. Criteria: Invitae Variant Classification Sherloc (09022015). Collection method: clinical testing. Allele origin: germline.
Comment: ClinVar contains an entry for this variant (Variation ID: 56411). This variant is also known as c.-588T>A. This variant has been observed in individual(s) with GRACILE syndrome (PMID: 12215968, 22277166). In at least one individual the data is consistent with being in trans (on the opposite chromosome) from a pathogenic variant. This variant is not present in population databases (gnomAD no frequency). This variant occurs in a non-coding region of the BCS1L gene. It does not change the encoded amino acid sequence of the BCS1L protein. Algorithms developed to predict the effect of sequence changes on RNA splicing suggest that this variant may create or strengthen a splice site. In summary, the currently available evidence indicates that the variant is pathogenic, but additional data are needed to prove that conclusively. Therefore, this variant has been classified as Likely Pathogenic.

Counsyl
Classification: Uncertain significance for GRACILE syndrome. Last evaluated: 2018-06-07. Review status: no assertion criteria provided. Collection method: clinical testing. Allele origin: unknown. Not counted in ClinVar's aggregate classification.

Juha Muilu Group; Institute for Molecular Medicine Finland (FIMM)
Classification: Likely pathogenic for GRACILE syndrome. Review status: no assertion criteria provided. Collection method: not provided. Allele origin: unknown. Not counted in ClinVar's aggregate classification.
Comment: FinDis database variant: This variant was not found or characterized by our laboratory, data were collected from public sources: see reference
ClinVar note: Converted during submission from probable-pathogenic to Likely pathogenic.

Literature cited by the submitters: PubMed 12215968 (cited by 3 submitters); PubMed 22277166 (cited by 3 submitters).